The following is an entry in ClinVar:

NM_001039591.3(USP9X):c.6075C>T (p.Asn2025=)

Gene: USP9X (ubiquitin specific peptidase 9 X-linked; plus strand). Cytogenetic location: Xp11.4.
Variant type: single nucleotide variant.
Coding change: c.6075C>T on transcript NM_001039591.3 (MANE Select); coding-DNA position 6075, C replaced by T.
Protein change: p.Asn2025=; no amino-acid change (asparagine 2025 retained).
Molecular consequence: synonymous variant.
Genome position (GRCh38, 1-based): chrX:41,216,642, C>T. VCF-style: chrX-41216642-C-T. GRCh37 (hg19) VCF-style: chrX-41075895-C-T.
Other names: c.6075C>T, p.Asn2025= (NM_001039590.3).
Identifiers: ClinVar variation 931478 (VCV000931478.3), dbSNP rs1374013183, ClinGen allele CA515976549.

ClinVar aggregate classification (germline): Uncertain significance (1 of 4 stars; one submission).

Conditions:
Intellectual developmental disorder, X-linked 99. Also called: Intellectual disability, X-linked 99. Identifiers: Orphanet 777, MedGen C3806746, MONDO:0010487, OMIM 300919.

Allele frequency attached by ClinVar (database versions not stated): gnomAD exomes below 0.00001; TOPMed 0.00001.
gnomAD v4.1: 1 of 1,205,110 alleles (0.000083%); highest among the groups gnomAD compares: East Asian, 0.003%; no homozygotes.

Submission:

Centre for Mendelian Genomics, University Medical Centre Ljubljana
Classification: Uncertain significance for Intellectual developmental disorder, X-linked 99. Last evaluated: 2019-06-06. Review status: criteria provided, single submitter. Criteria: ACMG Guidelines, 2015. Collection method: clinical testing. Allele origin: unknown. Affected: yes.
Comment: This variant was classified as: Uncertain significance. The available evidence on this variant's pathogenicity is insufficient or conflicting. The following ACMG criteria were applied in classifying this variant: PM2,BP7.